The following is an entry in ClinVar:

NM_001002010.5(NT5C3A):c.345T>G (p.Cys115Trp)

Gene: NT5C3A (5'-nucleotidase, cytosolic IIIA; minus strand). Cytogenetic location: 7p14.3.
Variant type: single nucleotide variant.
Coding change: c.345T>G on transcript NM_001002010.5 (MANE Select); coding-DNA position 345, T replaced by G.
Protein change: p.Cys115Trp; replaces cysteine 115 with tryptophan.
Molecular consequence: missense variant.
Genome position (GRCh38, 1-based): chr7:33,022,062, A>C on the plus strand (T>G on the coding strand, the complement: NT5C3A is on the minus strand). VCF-style: chr7-33022062-A-C. GRCh37 (hg19) VCF-style: chr7-33061674-A-C.
Other names: c.243T>G, p.Cys81Trp (NM_001002009.3, NM_016489.14); c.207T>G, p.Cys69Trp (NM_001166118.3, NM_001356996.3, NM_001374336.1 and 1 more transcripts); c.246T>G, p.Cys82Trp (NM_001374335.1); c.345T>G, p.Cys115Trp (NM_001374338.1); c.144T>G, p.Cys48Trp (NM_001374339.1); short protein forms C115W, C81W, C82W, C48W, C69W.
Identifiers: ClinVar variation 3692834 (VCV003692834.2).

ClinVar aggregate classification (germline): Uncertain significance (1 of 4 stars; one submission).

Submission:

Labcorp Genetics (formerly Invitae), Labcorp
Classification: Uncertain significance. Last evaluated: 2025-09-23. Review status: criteria provided, single submitter. Criteria: Invitae Variant Classification Sherloc (09022015). Collection method: clinical testing. Allele origin: germline.
Comment: This sequence change replaces cysteine, which is neutral and slightly polar, with tryptophan, which is neutral and slightly polar, at codon 81 of the NT5C3A protein (p.Cys81Trp). This variant is not present in population databases (gnomAD no frequency). This variant has not been reported in the literature in individuals affected with NT5C3A-related conditions. ClinVar contains an entry for this variant (Variation ID: 3692834). Invitae Evidence Modeling of protein sequence and biophysical properties (such as structural, functional, and spatial information, amino acid conservation, physicochemical variation, residue mobility, and thermodynamic stability) has been performed for this missense variant. However, the output from this modeling did not meet the statistical confidence thresholds required to predict the impact of this variant on NT5C3A protein function. In summary, the available evidence is currently insufficient to determine the role of this variant in disease. Therefore, it has been classified as a Variant of Uncertain Significance.